The following is an entry in ClinVar:

NM_006885.4(ZFHX3):c.10557_10562del (p.Gly3526_Gly3527del)

Genes: ZFHX3 (zinc finger homeobox 3; minus strand), ZFHX3-AS1 (ZFHX3 antisense RNA 1; plus strand). Cytogenetic location: 16q22.2.
Variant type: Deletion.
Coding change: c.10557_10562del on transcript NM_006885.4 (MANE Select); coding-DNA positions 10557 to 10562, 6 bases deleted (TGGCGG; older notation c.10557_10562delTGGCGG).
Protein change: p.Gly3526_Gly3527del.
Molecular consequence: inframe deletion.
Genome position (GRCh38, 1-based): chr16:72,787,714-72,787,719, CCGCCA deleted on the plus strand (TGGCGG on the coding strand, the reverse complement: ZFHX3 is on the minus strand); deleting any 6 consecutive bases within chr16:72,787,714-72,787,724 gives the same sequence; the c. name uses the placement nearest the transcript's 3' end. VCF-style (leftmost placement, unchanged base first): chr16-72787713-GCCGCCA-G. GRCh37 (hg19) VCF-style: chr16-72821612-GCCGCCA-G.
Other names: c.7815_7820del, p.Gly2612_Gly2613del (NM_001164766.2); c.10557_10562del, p.Gly3526_Gly3527del (NM_001386735.1); c.10557_10562del6 (NM_006885.3).
Identifiers: ClinVar variation 2646812 (VCV002646812.25), dbSNP rs761344900, ClinGen allele CA8162401.

ClinVar aggregate classification (germline): Likely benign. Review status: criteria provided, single submitter (1 of 4 stars). 2 submissions from 2 submitters: Likely benign (1). 1 of the submissions does not count toward it. Last evaluated 2026-02-01.

Conditions:
ZFHX3-related disorder. Also called: ZFHX3-related condition.

Submissions (2):

CeGaT Center for Human Genetics Tuebingen
Classification: Likely benign. Last evaluated: 2026-02-01. Review status: criteria provided, single submitter. Criteria: CeGaT Center For Human Genetics Tuebingen Variant Classification Criteria Version 2. Collection method: clinical testing. Allele origin: germline. Affected: yes. Observed: 3 variant alleles.
Comment: ZFHX3: BS2

PreventionGenetics, part of Exact Sciences
Classification: Likely benign for ZFHX3-related condition. Last evaluated: 2022-02-28. Review status: no assertion criteria provided. Collection method: clinical testing. Allele origin: germline. Not counted in ClinVar's aggregate classification.
Comment: This variant is classified as likely benign based on ACMG/AMP sequence variant interpretation guidelines (Richards et al. 2015 PMID: 25741868, with internal and published modifications).